The following is an entry in ClinVar:

ClinVar aggregate classification (germline): Uncertain significance (1 of 4 stars; one submission).

Allele frequency attached by ClinVar (database versions not stated): gnomAD exomes 0.00002; TOPMed 0.00002; gnomAD 0.00004.
gnomAD v4.1: 48 of 1,206,118 alleles (0.004%); highest among the groups gnomAD compares: Non-Finnish European, 0.0053%; no homozygotes.

Submission:

Women's Health and Genetics/Laboratory Corporation of America, LabCorp
Classification: Uncertain significance. Last evaluated: 2022-06-03. Review status: criteria provided, single submitter. Criteria: LabCorp Variant Classification Summary - May 2015. Collection method: clinical testing. Allele origin: germline.
Comment: Variant summary: ACSL4 c.1490C>T (p.Ala497Val) results in a non-conservative amino acid change located in the AMP-dependent synthetase/ligase domain (IPR000873) of the encoded protein sequence. Four of five in-silico tools predict a benign effect of the variant on protein function. The variant allele was found at a frequency of 1.6e-05 in 182699 control chromosomes, including one hemizygote (gnomAD v2.1 exomes dataset). The variant, c.1490C>T, has been reported in a whole exome sequencing (WES) study in two male individuals from the same family, who were affected with intellectual disability (ID) and autism spectrum disorder (ASD), however, the grade of ID was not specified (Brea-Fernandez_2022); the variant was described as maternally inherited. These data indicate that the variant may be associated with disease. To our knowledge, no experimental evidence demonstrating an impact on protein function has been reported. No clinical diagnostic laboratories have submitted clinical-significance assessments for this variant to ClinVar after 2014. Based on the evidence outlined above, the variant was classified as VUS-possibly pathogenic.

Literature cited by the submitters: PubMed 35322241.

NM_001318510.2(ACSL4):c.1490C>T (p.Ala497Val)

Gene: ACSL4 (acyl-CoA synthetase long chain family member 4; minus strand). Cytogenetic location: Xq23.
Variant type: single nucleotide variant.
Coding change: c.1490C>T on transcript NM_001318510.2 (MANE Select); coding-DNA position 1490, C replaced by T.
Protein change: p.Ala497Val; replaces alanine 497 with valine.
Molecular consequence: missense variant.
Genome position (GRCh38, 1-based): chrX:109,663,303, G>A on the plus strand (C>T on the coding strand, the complement: ACSL4 is on the minus strand). VCF-style: chrX-109663303-G-A. GRCh37 (hg19) VCF-style: chrX-108906532-G-A.
Other names: c.1613C>T, p.Ala538Val (NM_001318509.2, NM_022977.3); c.1490C>T, p.Ala497Val (NM_004458.3); short protein forms A497V, A538V.
Identifiers: ClinVar variation 1698469 (VCV001698469.1), dbSNP rs956339615, ClinGen allele CA334285770.
Genomic context (GRCh38, chrX:109,663,303, plus strand): 5'-TCTCCAATATCACCAGTGCAAAACCACCTTTGTCCATTTTCATCCACAGAATAATCTTCT[G>A]CTGTTTTCTCTTCATTTTTAAAATATCCCATGGAGATGTTCTGTCCACCAATTACGATTT-3'
Protein context (NP_001305439.1, residues 487-507): MGYFKNEEKT[Ala497Val]EDYSVDENGQ